The following is an entry in ClinVar:

ClinVar aggregate classification (germline): Uncertain significance. Review status: criteria provided, multiple submitters, no conflicts (2 of 4 stars). 2 submissions from 2 submitters: Uncertain significance (2). Last evaluated 2024-03-06.

Conditions:
Wilson disease (WND). Also called: Wilson's disease. Identifiers: Orphanet 905, MedGen C0019202, MONDO:0010200, OMIM 277900. Disease mechanism: loss of function.

Allele frequency attached by ClinVar (database versions not stated): TOPMed below 0.00001.
gnomAD v4.1: 12 of 1,613,662 alleles (0.00074%); highest among the groups gnomAD compares: Non-Finnish European, 0.00093%; no homozygotes.

Submissions (2):

Color Diagnostics, LLC DBA Color Health
Classification: Uncertain significance for Wilson disease. Last evaluated: 2024-03-06. Review status: criteria provided, single submitter. Criteria: ACMG Guidelines, 2015. Collection method: clinical testing. Allele origin: germline.
Comment: This missense variant replaces alanine with serine at codon 990 of the ATP7B protein. Computational prediction suggests that this variant may have deleterious impact on protein structure and function. To our knowledge, functional studies have not been reported for this variant. This variant has not been reported in individuals affected with Wilson disease in the literature. This variant has been identified in 1/248754 chromosomes in the general population by the Genome Aggregation Database (gnomAD). The available evidence is insufficient to determine the role of this variant in disease conclusively. Therefore, this variant is classified as a Variant of Uncertain Significance.

All of Us Research Program, National Institutes of Health
Classification: Uncertain significance for Wilson disease. Last evaluated: 2023-12-01. Review status: criteria provided, single submitter. Criteria: ACMG Guidelines, 2015. Collection method: clinical testing. Allele origin: germline. Inheritance: Autosomal recessive inheritance. Observed: 3 variant alleles, 3 heterozygotes.
Comment: This missense variant replaces alanine with serine at codon 990 of the ATP7B protein. Computational prediction suggests that this variant may have deleterious impact on protein structure and function (internally defined REVEL score threshold >= 0.7, PMID: 27666373). To our knowledge, functional studies have not been reported for this variant. This variant has not been reported in individuals affected with Wilson disease in the literature. This variant has been identified in 1/248754 chromosomes in the general population by the Genome Aggregation Database (gnomAD). The available evidence is insufficient to determine the role of this variant in disease conclusively. Therefore, this variant is classified as a Variant of Uncertain Significance.

This study involves interpretation of variants in research participants for the purpose of population health screening. Participant phenotype was not available at the time of variant classification. Additional details can be found in publication PMID: 35346344, PMCID: PMC8962531

NM_000053.4(ATP7B):c.2968G>T (p.Ala990Ser)

Gene: ATP7B (ATPase copper transporting beta; minus strand). Cytogenetic location: 13q14.3.
Variant type: single nucleotide variant.
Coding change: c.2968G>T on transcript NM_000053.4 (MANE Select); coding-DNA position 2968, G replaced by T.
Protein change: p.Ala990Ser; replaces alanine 990 with serine.
Molecular consequence: missense variant. On other transcripts: intron variant (6).
Genome position (GRCh38, 1-based): chr13:51,946,376, C>A on the plus strand (G>T on the coding strand, the complement: ATP7B is on the minus strand). VCF-style: chr13-51946376-C-A. GRCh37 (hg19) VCF-style: chr13-52520512-C-A.
Other names: c.2347G>T, p.Ala783Ser (NM_001005918.3); c.2635G>T, p.Ala879Ser (NM_001243182.2); c.2734G>T, p.Ala912Ser (NM_001330578.2, NM_001406538.1, NM_001406527.1 and 1 more transcripts); c.2716G>T, p.Ala906Ser (NM_001330579.2, NM_001406531.1, NM_001406532.1); c.2968G>T, p.Ala990Ser (NM_001406511.1, NM_001406512.1, NM_001406513.1 and 2 more transcripts); c.2935G>T, p.Ala979Ser (NM_001406514.1); c.2914G>T, p.Ala972Ser (NM_001406515.1, NM_001406516.1); c.2872G>T, p.Ala958Ser (NM_001406517.1, NM_001406518.1); and 18 more; short protein forms A560S, A774S, A783S, A796S, A828S, A847S, A874S, A879S.
Identifiers: ClinVar variation 3075603 (VCV003075603.2), dbSNP rs1297798449, ClinGen allele CA388032239.